The following is an entry in ClinVar:

NM_001330700.2(TOP2B):c.2274T>G (p.Asn758Lys)

Gene: TOP2B (DNA topoisomerase II beta; minus strand). Cytogenetic location: 3p24.2.
Variant type: single nucleotide variant.
Coding change: c.2274T>G on transcript NM_001330700.2 (MANE Select); coding-DNA position 2274, T replaced by G.
Protein change: p.Asn758Lys; replaces asparagine 758 with lysine.
Molecular consequence: missense variant.
Genome position (GRCh38, 1-based): chr3:25,624,754, A>C on the plus strand (T>G on the coding strand, the complement: TOP2B is on the minus strand). VCF-style: chr3-25624754-A-C. GRCh37 (hg19) VCF-style: chr3-25666245-A-C.
Other names: c.2259T>G, p.Asn753Lys (NM_001068.3); short protein forms N753K, N758K.
Identifiers: ClinVar variation 4891105 (VCV004891105.1).

ClinVar aggregate classification (germline): Uncertain significance (1 of 4 stars; one submission).

gnomAD v4.1: 1 of 1,613,776 alleles (0.000062%); highest among the groups gnomAD compares: South Asian, 0.0011%; no homozygotes.

Submission:

Greenwood Genetic Center Diagnostic Laboratories, Greenwood Genetic Center
Classification: Uncertain significance. Last evaluated: 2026-05-26. Review status: criteria provided, single submitter. Criteria: ACMG Guidelines, 2015. Collection method: clinical testing. Allele origin: germline.
Comment: PM2, BP4, PP2